The following is an entry in ClinVar:

NM_007294.4(BRCA1):c.4984T>C (p.Phe1662Leu)

Gene: BRCA1 (BRCA1 DNA repair associated; minus strand). Cytogenetic location: 17q21.31.
Variant type: single nucleotide variant.
Coding change: c.4984T>C on transcript NM_007294.4 (MANE Select); coding-DNA position 4984, T replaced by C.
Protein change: p.Phe1662Leu; replaces phenylalanine 1662 with leucine.
Molecular consequence: missense variant. On other transcripts: non-coding transcript variant (1).
Genome position (GRCh38, 1-based): chr17:43,070,930, A>G on the plus strand (T>C on the coding strand, the complement: BRCA1 is on the minus strand). VCF-style: chr17-43070930-A-G. GRCh37 (hg19) VCF-style: chr17-41222947-A-G.
Other names: c.4771T>C, p.Phe1591Leu (NM_001407896.1, NM_001407897.1, NM_001407898.1 and 12 more transcripts); c.4768T>C, p.Phe1590Leu (NM_001407916.1, NM_001407917.1, NM_001407918.1 and 1 more transcripts); c.4861T>C, p.Phe1621Leu (NM_001407919.1, NM_001407937.1, NM_001407938.1 and 6 more transcripts); c.4720T>C, p.Phe1574Leu (NM_001407920.1, NM_001407921.1, NM_001407922.1 and 4 more transcripts); c.4714T>C, p.Phe1572Leu (NM_001407935.1, NM_001407936.1, NM_001407934.1); c.4858T>C, p.Phe1620Leu (NM_001407939.1, NM_001407940.1, NM_001407679.1 and 11 more transcripts); c.4855T>C, p.Phe1619Leu (NM_001407941.1, NM_001407681.1, NM_001407682.1 and 6 more transcripts); c.4843T>C, p.Phe1615Leu (NM_001407942.1, NM_007297.4, NM_001407724.1 and 13 more transcripts); and 70 more; short protein forms F1615L, F1662L, F1683L, F558L, F1493L, F1590L, F1595L, F1658L.
Identifiers: ClinVar variation 865487 (VCV000865487.12), dbSNP rs2052354206, ClinGen allele CA10591556.

ClinVar aggregate classification (germline): Uncertain significance (1 of 4 stars; one submission).

Conditions:
Hereditary breast ovarian cancer syndrome. Also called: Hereditary breast and/or ovarian cancer syndrome; BRCA1- and BRCA2-Associated Hereditary Breast and Ovarian Cancer; Hereditary breast and ovarian cancer syndrome; Hereditary breast and ovarian cancer; Hereditary breast and ovarian cancer syndrome (HBOC); Breast and ovarian cancer. Identifiers: Orphanet 145, MedGen C0677776, MeSH D061325, MONDO:0003582. Disease mechanism: loss of function.

Submissions (2):

Labcorp Genetics (formerly Invitae), Labcorp
Classification: Uncertain significance for Hereditary breast ovarian cancer syndrome. Last evaluated: 2022-06-20. Review status: criteria provided, single submitter. Criteria: Invitae Variant Classification Sherloc (09022015). Collection method: clinical testing. Allele origin: germline.
Comment: In summary, the available evidence is currently insufficient to determine the role of this variant in disease. Therefore, it has been classified as a Variant of Uncertain Significance. Experimental studies have shown that this missense change does not substantially affect BRCA1 function (PMID: 30209399). Algorithms developed to predict the effect of missense changes on protein structure and function output the following: SIFT: "Tolerated"; PolyPhen-2: "Benign"; Align-GVGD: "Class C0". The leucine amino acid residue is found in multiple mammalian species, which suggests that this missense change does not adversely affect protein function. ClinVar contains an entry for this variant (Variation ID: 865487). This variant has not been reported in the literature in individuals affected with BRCA1-related conditions. This variant is not present in population databases (gnomAD no frequency). This sequence change replaces phenylalanine, which is neutral and non-polar, with leucine, which is neutral and non-polar, at codon 1662 of the BRCA1 protein (p.Phe1662Leu).

Brotman Baty Institute, University of Washington
No classification provided (evidence only). Condition: Breast-ovarian cancer, familial 1. Review status: no classification provided. Collection method: in vitro. Allele origin: not applicable. Functional consequence: functionally_normal. Not counted in ClinVar's aggregate classification.
ClinVar note: "not provided" was previously submitted as the classification for the variant. However, the classification appeared to be based only on an observation of functional data so it was converted to no classification on 2025-07-30.

Literature cited by the submitters: PubMed 30209399 (cited by Labcorp Genetics (formerly Invitae), Labcorp).